The following is an entry in ClinVar:

NM_000059.4(BRCA2):c.1225G>A (p.Glu409Lys)

Gene: BRCA2 (BRCA2 DNA repair associated; plus strand). Cytogenetic location: 13q13.1.
Variant type: single nucleotide variant.
Coding change: c.1225G>A on transcript NM_000059.4 (MANE Select); coding-DNA position 1225, G replaced by A.
Protein change: p.Glu409Lys; replaces glutamic acid 409 with lysine.
Molecular consequence: missense variant.
Genome position (GRCh38, 1-based): chr13:32,332,703, G>A. VCF-style: chr13-32332703-G-A. GRCh37 (hg19) VCF-style: chr13-32906840-G-A.
Other names: short protein forms E409K.
Identifiers: ClinVar variation 51086 (VCV000051086.27), dbSNP rs80358416, ClinGen allele CA011235.

ClinVar aggregate classification (germline): Conflicting classifications of pathogenicity. Review status: criteria provided, conflicting classifications (1 of 4 stars). 9 submissions from 9 submitters: Uncertain significance (5); Likely benign (3). 1 of the submissions does not count toward it. Last evaluated 2026-06-03.

Conditions:
Hereditary cancer-predisposing syndrome. Also called: Neoplastic Syndromes, Hereditary; Tumor predisposition; Hereditary neoplastic syndrome; Hereditary Cancer Syndrome. Identifiers: Orphanet 140162, MedGen C0027672, MeSH D009386, MONDO:0015356.
Hereditary breast ovarian cancer syndrome. Also called: Hereditary breast and ovarian cancer syndrome (HBOC); Hereditary breast and ovarian cancer syndrome; Breast and ovarian cancer; Hereditary breast and ovarian cancer; Hereditary breast and/or ovarian cancer syndrome; BRCA1- and BRCA2-Associated Hereditary Breast and Ovarian Cancer. Identifiers: Orphanet 145, MedGen C0677776, MeSH D061325, MONDO:0003582. Disease mechanism: loss of function.
Breast-ovarian cancer, familial, susceptibility to, 2 (BROVCA2). Also called: BRCA2 Hereditary Breast and Ovarian Cancer. Identifiers: Orphanet 145, MedGen C2675520, MONDO:0012933, OMIM 612555. Disease mechanism: loss of function.

Allele frequency attached by ClinVar (database versions not stated): ExAC 0.00001; gnomAD 0.00001; gnomAD exomes 0.00001; TOPMed 0.00001.
gnomAD v4.1: 11 of 1,613,726 alleles (0.00068%); highest among the groups gnomAD compares: Non-Finnish European, 0.00085%; no homozygotes.

Submissions (9):

Women's Health and Genetics/Laboratory Corporation of America, LabCorp
Classification: Uncertain significance. Last evaluated: 2026-06-03. Review status: criteria provided, single submitter. Criteria: LabCorp Variant Classification Summary - May 2015. Collection method: clinical testing. Allele origin: germline.
Comment: Variant summary: BRCA2 c.1225G>A (p.Glu409Lys) results in a conservative amino acid change in the encoded protein sequence. Algorithms developed to predict the effect of missense changes on protein structure and function all suggest that this variant is likely to be tolerated. The variant allele was found at a frequency of 1.2e-05 in 250188 control chromosomes (gnomAD). The available data on variant occurrences in the general population are insufficient to allow any conclusion about variant significance. c.1225G>A has been observed in at least one individual affected with breast cancer as well as in unaffected controls (e.g. Dorling_2021). This report(s) does not provide unequivocal conclusions about association of the variant with disease. To our knowledge, no experimental evidence demonstrating an impact on protein function has been reported. The following publications have been ascertained in the context of this evaluation (PMID: 31112341, 31294896, 31131967, 26933808, 33471991). ClinVar contains an entry for this variant (Variation ID: 51086). Based on the evidence outlined above, the variant was classified as uncertain significance.

Labcorp Genetics (formerly Invitae), Labcorp
Classification: Likely benign for Hereditary breast ovarian cancer syndrome. Last evaluated: 2026-01-11. Review status: criteria provided, single submitter. Criteria: Invitae Variant Classification Sherloc (09022015). Collection method: clinical testing. Allele origin: germline.

All of Us Research Program, National Institutes of Health
Classification: Uncertain significance for Breast-ovarian cancer, familial, susceptibility to, 2. Last evaluated: 2023-08-15. Review status: criteria provided, single submitter. Criteria: ACMG Guidelines, 2015. Collection method: clinical testing. Allele origin: germline. Inheritance: Autosomal dominant inheritance. Observed: 1 variant allele, 1 heterozygote.
Comment: This missense variant replaces glutamic acid with lysine at codon 409 of the BRCA2 protein. Computational prediction suggests that this variant may not impact protein structure and function (internally defined REVEL score threshold <= 0.5, PMID: 27666373). To our knowledge, functional studies have not been reported for this variant. In a large breast cancer case-control study conducted by the BRIDGES consortium, this variant was reported in 1/60466 cases and 2/53461 unaffected controls, showing inconclusive association with disease (OR=0.442 (95%CI 0.04 to 4.876); p-value=0.603; Leiden Open Variation Database DB-ID BRCA2_007803) (PMID: 33471991). This variant has been identified in 3/245760 chromosomes in the general population by the Genome Aggregation Database (gnomAD). The available evidence is insufficient to determine the role of this variant in disease conclusively. Therefore, this variant is classified as a Variant of Uncertain Significance.

This study involves interpretation of variants in research participants for the purpose of population health screening. Participant phenotype was not available at the time of variant classification. Additional details can be found in publication PMID: 35346344, PMCID: PMC8962531

Quest Diagnostics Nichols Institute San Juan Capistrano
Classification: Uncertain significance. Last evaluated: 2023-08-04. Review status: criteria provided, single submitter. Criteria: Quest Diagnostics criteria. Collection method: clinical testing. Allele origin: unknown.
Comment: In the published literature, this variant has been reported in an individual with glioblastoma (PMID: 26933808 (2016)). In a large-scale breast cancer association study, the variant was observed in a breast cancer case and in unaffected individuals (PMID: 33471991 (2021), see also LOVD). The frequency of this variant in the general population, 0.000031 (4/128766 chromosomes (Genome Aggregation Database)), is uninformative in the assessment of its pathogenicity. Analysis of this variant using bioinformatics tools for the prediction of the effect of amino acid changes on protein structure and function yielded predictions that this variant is benign. Based on the available information, we are unable to determine the clinical significance of this variant.

Color Diagnostics, LLC DBA Color Health
Classification: Uncertain significance for Hereditary cancer-predisposing syndrome. Last evaluated: 2023-07-20. Review status: criteria provided, single submitter. Criteria: ACMG Guidelines, 2015. Collection method: clinical testing. Allele origin: germline.
Comment: This missense variant replaces glutamic acid with lysine at codon 409 of the BRCA2 protein. Computational prediction suggests that this variant may not impact protein structure and function (internally defined REVEL score threshold <= 0.5, PMID: 27666373). To our knowledge, functional studies have not been reported for this variant. In a large breast cancer case-control study conducted by the BRIDGES consortium, this variant was reported in 1/60466 cases and 2/53461 unaffected controls, showing inconclusive association with disease (OR=0.442 (95%CI 0.04 to 4.876); p-value=0.603; Leiden Open Variation Database DB-ID BRCA2_007803) (PMID: 33471991). This variant has been identified in 3/245760 chromosomes in the general population by the Genome Aggregation Database (gnomAD). The available evidence is insufficient to determine the role of this variant in disease conclusively. Therefore, this variant is classified as a Variant of Uncertain Significance.

University of Washington Department of Laboratory Medicine, University of Washington
Classification: Likely benign for Hereditary cancer-predisposing syndrome. Last evaluated: 2023-03-23. Review status: criteria provided, single submitter. Criteria: Dines et al. (Genet Med. 2020). Collection method: curation. Allele origin: germline.
Comment: Missense variant in a coldspot region where missense variants are very unlikely to be pathogenic (PMID:31911673).

BRCA2 exon 10 coldspot. Reclassification based on statistical prior probability.

Ambry Genetics
Classification: Likely benign for Hereditary cancer-predisposing syndrome. Last evaluated: 2018-10-03. Review status: criteria provided, single submitter. Criteria: Ambry Variant Classification Scheme 2023. Collection method: clinical testing. Allele origin: germline.

PreventionGenetics, part of Exact Sciences
Classification: Uncertain significance. Last evaluated: 2017-10-04. Review status: criteria provided, single submitter. Criteria: ACMG Guidelines, 2015. Collection method: clinical testing. Allele origin: germline.

Breast Cancer Information Core (BIC) (BRCA2)
Classification: Uncertain significance for Breast-ovarian cancer, familial 2. Last evaluated: 2004-02-20. Review status: no assertion criteria provided. Collection method: clinical testing. Allele origin: germline. Affected: yes. Observed: 3 variant alleles. Not counted in ClinVar's aggregate classification.

Literature cited by the submitters: PubMed 26933808 (cited by Women's Health and Genetics/Laboratory Corporation of America, LabCorp and Quest Diagnostics Nichols Institute San Juan Capistrano); PubMed 31131967 (cited by Women's Health and Genetics/Laboratory Corporation of America, LabCorp); PubMed 31112341 (cited by Women's Health and Genetics/Laboratory Corporation of America, LabCorp); PubMed 31294896 (cited by Women's Health and Genetics/Laboratory Corporation of America, LabCorp); PubMed 33471991 (cited by 4 submitters); PubMed 31911673 (cited by Quest Diagnostics Nichols Institute San Juan Capistrano).